The following is an entry in ClinVar:

ClinVar aggregate classification (germline): Likely benign (1 of 4 stars; one submission).

Submission:

CeGaT Center for Human Genetics Tuebingen
Classification: Likely benign. Last evaluated: 2025-09-01. Review status: criteria provided, single submitter. Criteria: CeGaT Center For Human Genetics Tuebingen Variant Classification Criteria Version 2. Collection method: clinical testing. Allele origin: germline. Affected: yes. Observed: 6 variant alleles.
Comment: MUC5B: BP4, BS1

NM_002458.3(MUC5B):c.8782C>T (p.Arg2928Trp)

Genes: MUC5B (mucin 5B, oligomeric mucus/gel-forming; plus strand), MUC5B-AS1 (MUC5B antisense RNA 1; minus strand). Cytogenetic location: 11p15.5.
Variant type: single nucleotide variant.
Coding change: c.8782C>T on transcript NM_002458.3 (MANE Select); coding-DNA position 8782, C replaced by T.
Protein change: p.Arg2928Trp; replaces arginine 2928 with tryptophan.
Molecular consequence: missense variant.
Genome position (GRCh38, 1-based): chr11:1,245,662, C>T. VCF-style: chr11-1245662-C-T. GRCh37 (hg19) VCF-style: chr11-1266892-C-T.
Other names: short protein forms R2928W.
Identifiers: ClinVar variation 3025025 (VCV003025025.22), dbSNP rs199686584, ClinGen allele CA5806735.
Genomic context (GRCh38, chr11:1,245,662, plus strand): 5'-GTCTGTGAGCAGCCCCTGGGCCTCGAGTGCCGTGCCCAGGCCCAGCCTGGTGTCCCCCTG[C>T]GGGAGTTGGGCCAGGTCGTGGAATGCAGCCTGGACTTTGGCCTGGTCTGCAGGAACCGTG-3'
Protein context (NP_002449.2, residues 2918-2938): RAQAQPGVPL[Arg2928Trp]ELGQVVECSL